The following is an entry in ClinVar:

ClinVar aggregate classification (germline): Conflicting classifications of pathogenicity. Review status: criteria provided, conflicting classifications (1 of 4 stars). 2 submissions from 2 submitters: Uncertain significance (1); Likely benign (1). Last evaluated 2023-03-23.

Conditions:
Hereditary cancer-predisposing syndrome. Also called: Neoplastic Syndromes, Hereditary; Tumor predisposition; Hereditary Cancer Syndrome; Hereditary neoplastic syndrome. Identifiers: Orphanet 140162, MedGen C0027672, MeSH D009386, MONDO:0015356.
Hereditary breast ovarian cancer syndrome. Also called: Breast and ovarian cancer; BRCA1- and BRCA2-Associated Hereditary Breast and Ovarian Cancer; Hereditary breast and ovarian cancer; Hereditary breast and ovarian cancer syndrome (HBOC); Hereditary breast and/or ovarian cancer syndrome; Hereditary breast and ovarian cancer syndrome. Identifiers: Orphanet 145, MedGen C0677776, MeSH D061325, MONDO:0003582. Disease mechanism: loss of function.

Submissions (2):

University of Washington Department of Laboratory Medicine, University of Washington
Classification: Likely benign for Hereditary cancer-predisposing syndrome. Last evaluated: 2023-03-23. Review status: criteria provided, single submitter. Criteria: Dines et al. (Genet Med. 2020). Collection method: curation. Allele origin: germline.
Comment: Missense variant in a coldspot region where missense variants are very unlikely to be pathogenic (PMID:31911673).

BRCA2 exon 11 coldspot. Reclassification based on statistical prior probability.

Labcorp Genetics (formerly Invitae), Labcorp
Classification: Uncertain significance for Hereditary breast ovarian cancer syndrome. Last evaluated: 2018-10-06. Review status: criteria provided, single submitter. Criteria: Invitae Variant Classification Sherloc (09022015). Collection method: clinical testing. Allele origin: germline.
Comment: This sequence change replaces serine with glycine at codon 1528 of the BRCA2 protein (p.Ser1528Gly). The serine residue is highly conserved and there is a small physicochemical difference between serine and glycine. This variant is not present in population databases (ExAC no frequency). This variant has not been reported in the literature in individuals with BRCA2-related disease. Algorithms developed to predict the effect of missense changes on protein structure and function are either unavailable or do not agree on the potential impact of this missense change (SIFT: "Tolerated"; PolyPhen-2: "Probably Damaging"; Align-GVGD: "Class C0"). In summary, the available evidence is currently insufficient to determine the role of this variant in disease. Therefore, it has been classified as a Variant of Uncertain Significance.

NM_000059.4(BRCA2):c.4582A>G (p.Ser1528Gly)

Gene: BRCA2 (BRCA2 DNA repair associated; plus strand). Cytogenetic location: 13q13.1.
Variant type: single nucleotide variant.
Coding change: c.4582A>G on transcript NM_000059.4 (MANE Select); coding-DNA position 4582, A replaced by G.
Protein change: p.Ser1528Gly; replaces serine 1528 with glycine.
Molecular consequence: missense variant.
Genome position (GRCh38, 1-based): chr13:32,338,937, A>G. VCF-style: chr13-32338937-A-G. GRCh37 (hg19) VCF-style: chr13-32913074-A-G.
Other names: short protein forms S1528G.
Identifiers: ClinVar variation 648855 (VCV000648855.9), dbSNP rs1593902831, ClinGen allele CA387781906.
Genomic context (GRCh38, chr13:32,338,937, plus strand): 5'-GGACAACCCGAACGTGATGAAAAGATCAAAGAACCTACTCTATTGGGTTTTCATACAGCT[A>G]GCGGGAAAAAAGTTAAAATTGCAAAGGAATCTTTGGACAAAGTGAAAAACCTTTTTGATG-3'
Protein context (NP_000050.3, residues 1518-1538): EPTLLGFHTA[Ser1528Gly]GKKVKIAKES